The following is an entry in ClinVar:

ClinVar aggregate classification (germline): Likely benign (1 of 4 stars; one submission).

Allele frequency attached by ClinVar (database versions not stated): gnomAD 0.00001; gnomAD exomes 0.00001; TOPMed 0.00001.

Submission:

CeGaT Center for Human Genetics Tuebingen
Classification: Likely benign. Last evaluated: 2023-06-01. Review status: criteria provided, single submitter. Criteria: CeGaT Center For Human Genetics Tuebingen Variant Classification Criteria Version 2. Collection method: clinical testing. Allele origin: germline. Affected: yes. Observed: 1 variant allele.
Comment: SPEN: BP4

NM_015001.3(SPEN):c.560G>A (p.Arg187Gln)

Gene: SPEN (spen family transcriptional repressor; plus strand). Cytogenetic location: 1p36.21.
Variant type: single nucleotide variant.
Coding change: c.560G>A on transcript NM_015001.3 (MANE Select); coding-DNA position 560, G replaced by A.
Protein change: p.Arg187Gln; replaces arginine 187 with glutamine.
Molecular consequence: missense variant.
Genome position (GRCh38, 1-based): chr1:15,876,357, G>A. VCF-style: chr1-15876357-G-A. GRCh37 (hg19) VCF-style: chr1-16202852-G-A.
Other names: short protein forms R187Q.
Identifiers: ClinVar variation 2638301 (VCV002638301.24), dbSNP rs1377681458, ClinGen allele CA338601602.
Genomic context (GRCh38, chr1:15,876,357, plus strand): 5'-AGGATTACTATAGAGATCCTCGAGAGCGGACTTTACAACATGGGCTCTATTACGCTTCTC[G>A]GAGTCGAAGTCCAAATCGCTTTGATGCTCATGACCCCCGATATGAACCTAGGGCTCGCGA-3'
Protein context (NP_055816.2, residues 177-197): TLQHGLYYAS[Arg187Gln]SRSPNRFDAH